The following is an entry in ClinVar:

ClinVar aggregate classification (germline): Conflicting classifications of pathogenicity. Review status: criteria provided, conflicting classifications (1 of 4 stars). 4 submissions from 4 submitters: Uncertain significance (2); Likely benign (2). Last evaluated 2026-03-01.

Conditions:
Ullrich congenital muscular dystrophy 2 (UCMD2). Identifiers: Orphanet 75840, MedGen C4225314, MONDO:0014654, OMIM 616470.
Bethlem myopathy 2 (BTHLM2). Identifiers: Orphanet 536516, Orphanet 610, MedGen C4225313, MONDO:0034022, OMIM 616471.

Allele frequency attached by ClinVar (database versions not stated): ExAC 0.00001; gnomAD 0.00003; TOPMed 0.00005.
gnomAD v4.1: 44 of 1,613,644 alleles (0.0027%); highest among the groups gnomAD compares: Non-Finnish European, 0.0036%; no homozygotes.

Submissions (4):

CeGaT Center for Human Genetics Tuebingen
Classification: Uncertain significance. Last evaluated: 2026-03-01. Review status: criteria provided, single submitter. Criteria: CeGaT Center For Human Genetics Tuebingen Variant Classification Criteria Version 2. Collection method: clinical testing. Allele origin: germline. Affected: yes. Observed: 1 variant allele.
Comment: COL12A1: PM2, BP4

Labcorp Genetics (formerly Invitae), Labcorp
Classification: Likely benign for Bethlem myopathy 2; Ullrich congenital muscular dystrophy 2. Last evaluated: 2025-12-31. Review status: criteria provided, single submitter. Criteria: Invitae Variant Classification Sherloc (09022015). Collection method: clinical testing. Allele origin: germline.

Women's Health and Genetics/Laboratory Corporation of America, LabCorp
Classification: Likely benign. Last evaluated: 2025-06-16. Review status: criteria provided, single submitter. Criteria: LabCorp Variant Classification Summary - May 2015. Collection method: clinical testing. Allele origin: germline.

GeneDx
Classification: Uncertain significance. Last evaluated: 2021-11-28. Review status: criteria provided, single submitter. Criteria: GeneDx Variant Classification Process June 2021. Collection method: clinical testing. Allele origin: germline. Affected: yes.
Comment: Has not been previously published as pathogenic or benign to our knowledge; Not observed at significant frequency in large population cohorts (Lek et al., 2016); In silico analysis supports that this variant does not alter splicing; Reported in ClinVar (ClinVar Variant ID# 542516; Landrum et al., 2016)

NM_004370.6(COL12A1):c.8686-5A>T

Gene: COL12A1 (collagen type XII alpha 1 chain; minus strand). Cytogenetic location: 6q13.
Variant type: single nucleotide variant.
Coding change: c.8686-5A>T on transcript NM_004370.6 (MANE Select); 5 bases into the intron before coding-DNA position 8686, A replaced by T.
Molecular consequence: intron variant.
Genome position (GRCh38, 1-based): chr6:75,091,394, T>A on the plus strand (A>T on the coding strand, the complement: COL12A1 is on the minus strand). VCF-style: chr6-75091394-T-A. GRCh37 (hg19) VCF-style: chr6-75801110-T-A.
Other names: c.5194-5A>T (NM_080645.3).
Identifiers: ClinVar variation 542516 (VCV000542516.17), dbSNP rs749754621, ClinGen allele CA3892144.